The following is an entry in ClinVar:

NM_206933.4(USH2A):c.4627+48A>T

Gene: USH2A (usherin; minus strand). Cytogenetic location: 1q41.
Variant type: single nucleotide variant.
Coding change: c.4627+48A>T on transcript NM_206933.4 (MANE Select); 48 bases into the intron after coding-DNA position 4627, A replaced by T.
Molecular consequence: intron variant. On other transcripts: 3 prime UTR variant (1).
Genome position (GRCh38, 1-based): chr1:216,175,204, T>A on the plus strand (A>T on the coding strand, the complement: USH2A is on the minus strand). VCF-style: chr1-216175204-T-A. GRCh37 (hg19) VCF-style: chr1-216348546-T-A.
Other names: c.*34A>T (NM_007123.6).
Identifiers: ClinVar variation 876034 (VCV000876034.7), dbSNP rs74874838, ClinGen allele CA1395668.

ClinVar aggregate classification (germline): Conflicting classifications of pathogenicity. Review status: criteria provided, conflicting classifications (1 of 4 stars). 4 submissions from 3 submitters: Uncertain significance (1); Benign (1); Likely benign (2). Last evaluated 2018-07-17.

Conditions:
Retinitis pigmentosa (RP). Identifiers: Orphanet 791, MedGen C0035334, MeSH D012174, MONDO:0019200, OMIM 268000. Inheritance: Autosomal dominant, autosomal recessive and X linked inheritance.
Usher syndrome type 2A. Also called: RETINAL DISEASE IN USHER SYNDROME TYPE IIA, MODIFIER OF; USHER SYNDROME, TYPE IIA. Identifiers: Orphanet 231178, Orphanet 886, MedGen C1848634, MONDO:0010169, OMIM 276901.

Allele frequency attached by ClinVar (database versions not stated): gnomAD exomes 0.00038; ESP Exome Variant Server 0.00415; TOPMed 0.00479; 1000 Genomes Project 30x 0.00531; 1000 Genomes Project 0.00559.
gnomAD v4.1: 1,171 of 1,610,984 alleles (0.073%); highest among the groups gnomAD compares: African/African-American, 1.4%; 7 homozygotes.

Submissions (4):

GeneDx
Classification: Likely benign. Last evaluated: 2018-07-17. Review status: criteria provided, single submitter. Criteria: GeneDx Variant Classification Process June 2021. Collection method: clinical testing. Allele origin: germline. Affected: yes.

Blueprint Genetics
Classification: Likely benign. Last evaluated: 2018-06-13. Review status: criteria provided, single submitter. Criteria: ACMG Guidelines, 2015. Collection method: clinical testing. Allele origin: germline.

Illumina Laboratory Services, Illumina
Classification: Benign for Usher syndrome type 2A. Last evaluated: 2017-04-27. Review status: criteria provided, single submitter. Criteria: ICSL Variant Classification Criteria 13 December 2019. Collection method: clinical testing. Allele origin: germline.
Comment: This variant was observed as part of a predisposition screen in an ostensibly healthy population. A literature search was performed for the gene, cDNA change, and amino acid change (where applicable). No publications were found based on this search. Allele frequency data from public databases was too high to be consistent with this variant causing disease. Therefore, this variant is classified as benign.

Illumina Laboratory Services, Illumina
Classification: Uncertain significance for Retinitis pigmentosa. Last evaluated: 2017-04-27. Review status: criteria provided, single submitter. Criteria: ICSL Variant Classification Criteria 13 December 2019. Collection method: clinical testing. Allele origin: germline.